The following is an entry in ClinVar:

NM_005228.5(EGFR):c.1206A>C (p.Thr402=)

Genes: EGFR (epidermal growth factor receptor; plus strand), LOC126860048 (P300/CBP strongly-dependent group 1 enhancer GRCh37_chr7:55223847-55225046; plus strand). Cytogenetic location: 7p11.2.
Variant type: single nucleotide variant.
Coding change: c.1206A>C on transcript NM_005228.5 (MANE Select); coding-DNA position 1206, A replaced by C.
Protein change: p.Thr402=; no amino-acid change (threonine 402 retained).
Molecular consequence: synonymous variant.
Genome position (GRCh38, 1-based): chr7:55,156,831, A>C. VCF-style: chr7-55156831-A-C. GRCh37 (hg19) VCF-style: chr7-55224524-A-C.
Other names: c.1071A>C, p.Thr357= (NM_001346897.2, NM_001346899.2); c.1206A>C, p.Thr402= (NM_001346898.2, NM_201282.2, NM_201283.2 and 1 more transcripts); c.1047A>C, p.Thr349= (NM_001346900.2); c.405A>C, p.Thr135= (NM_001346941.2).
Identifiers: ClinVar variation 4638328 (VCV004638328.1).

ClinVar aggregate classification (germline): Uncertain significance (1 of 4 stars; one submission).

Conditions:
Hereditary cancer-predisposing syndrome. Also called: Neoplastic Syndromes, Hereditary; Tumor predisposition; Hereditary Cancer Syndrome; Hereditary neoplastic syndrome. Identifiers: Orphanet 140162, MedGen C0027672, MeSH D009386, MONDO:0015356.

Submission:

Ambry Genetics
Classification: Uncertain significance for Hereditary cancer-predisposing syndrome. Last evaluated: 2025-09-16. Review status: criteria provided, single submitter. Criteria: Ambry Variant Classification Scheme 2023. Collection method: clinical testing. Allele origin: germline.
Comment: The c.1206A>C variant (also known as p.T402T), located in coding exon 10 of the EGFR gene, results from an A to C substitution at nucleotide position 1206. This nucleotide substitution does not change the threonine at codon 402. This nucleotide position is well conserved in available vertebrate species. In silico splice site analysis predicts that this alteration will weaken the native splice donor site. Based on the available evidence, the clinical significance of this variant remains unclear.